The following is an entry in ClinVar:

ClinVar aggregate classification (germline): Uncertain significance (1 of 4 stars; one submission).

Submission:

GeneDx
Classification: Uncertain significance. Last evaluated: 2024-08-16. Review status: criteria provided, single submitter. Criteria: GeneDx Variant Classification Process June 2021. Collection method: clinical testing. Allele origin: germline. Affected: yes.
Comment: Alters the last nucleotide of the exon and is predicted to destroy the splice donor site and result in aberrant splicing, although in the absence of functional evidence the actual effect of this sequence change is unknown; Not observed at significant frequency in large population cohorts (gnomAD); Has not been previously published as pathogenic or benign to our knowledge

NM_016628.5(WAC):c.1165G>A (p.Val389Ile)

Gene: WAC (WW domain containing adaptor with coiled-coil; plus strand). Cytogenetic location: 10p12.1.
Variant type: single nucleotide variant.
Coding change: c.1165G>A on transcript NM_016628.5 (MANE Select); coding-DNA position 1165, G replaced by A.
Protein change: p.Val389Ile; replaces valine 389 with isoleucine.
Molecular consequence: missense variant.
Genome position (GRCh38, 1-based): chr10:28,608,431, G>A. VCF-style: chr10-28608431-G-A. GRCh37 (hg19) VCF-style: chr10-28897360-G-A.
Other names: c.1030G>A, p.Val344Ile (NM_100264.3); c.856G>A, p.Val286Ile (NM_100486.4); short protein forms V286I, V389I, V344I.
Identifiers: ClinVar variation 3731263 (VCV003731263.1).